The following is an entry in ClinVar:

ClinVar aggregate classification (germline): Uncertain significance. Review status: criteria provided, multiple submitters, no conflicts (2 of 4 stars). 2 submissions from 2 submitters: Uncertain significance (2). Last evaluated 2025-01-05.

Conditions:
Inborn genetic diseases. Identifiers: MedGen C0950123, MeSH D030342.

Allele frequency attached by ClinVar (database versions not stated): gnomAD exomes below 0.00001.
gnomAD v4.1: 1 of 1,613,986 alleles (0.000062%); highest among the groups gnomAD compares: Non-Finnish European, 0.000085%; no homozygotes.

Submissions (2):

Ambry Genetics
Classification: Uncertain significance for Inborn genetic diseases. Last evaluated: 2025-01-05. Review status: criteria provided, single submitter. Criteria: Ambry Variant Classification Scheme 2023. Collection method: clinical testing. Allele origin: germline.
Comment: The p.V443M variant (also known as c.1327G>A), located in coding exon 1 of the SAMD9L gene, results from a G to A substitution at nucleotide position 1327. The valine at codon 443 is replaced by methionine, an amino acid with highly similar properties. This amino acid position is conserved. In addition, this alteration is predicted to be tolerated by in silico analysis. Based on the available evidence, the clinical significance of this variant remains unclear.

Labcorp Genetics (formerly Invitae), Labcorp
Classification: Uncertain significance. Last evaluated: 2022-08-21. Review status: criteria provided, single submitter. Criteria: Invitae Variant Classification Sherloc (09022015). Collection method: clinical testing. Allele origin: germline.
Comment: This variant is not present in population databases (gnomAD no frequency). In summary, the available evidence is currently insufficient to determine the role of this variant in disease. Therefore, it has been classified as a Variant of Uncertain Significance. Algorithms developed to predict the effect of missense changes on protein structure and function are either unavailable or do not agree on the potential impact of this missense change (SIFT: "Not Available"; PolyPhen-2: "Probably Damaging"; Align-GVGD: "Not Available"). This variant has not been reported in the literature in individuals affected with SAMD9L-related conditions. This sequence change replaces valine, which is neutral and non-polar, with methionine, which is neutral and non-polar, at codon 443 of the SAMD9L protein (p.Val443Met).

NM_152703.5(SAMD9L):c.1327G>A (p.Val443Met)

Gene: SAMD9L (sterile alpha motif domain containing 9 like; minus strand). Cytogenetic location: 7q21.2.
Variant type: single nucleotide variant.
Coding change: c.1327G>A on transcript NM_152703.5 (MANE Select); coding-DNA position 1327, G replaced by A.
Protein change: p.Val443Met; replaces valine 443 with methionine.
Molecular consequence: missense variant.
Genome position (GRCh38, 1-based): chr7:93,134,645, C>T on the plus strand (G>A on the coding strand, the complement: SAMD9L is on the minus strand). VCF-style: chr7-93134645-C-T. GRCh37 (hg19) VCF-style: chr7-92763958-C-T.
Other names: c.1327G>A (NM_152703.2); c.1327G>A, p.Val443Met (NM_001303496.3, NM_001303497.3, NM_001303498.3 and 5 more transcripts); short protein forms V443M.
Identifiers: ClinVar variation 2038968 (VCV002038968.5), dbSNP rs964077468, ClinGen allele CA368197395.